The following is an entry in ClinVar:

ClinVar aggregate classification (germline): Uncertain significance (1 of 4 stars; one submission).

Conditions:
Malignant hyperthermia, susceptibility to, 5 (MHS5). Also called: CACNA1S-Related Malignant Hyperthermia Susceptibility. Identifiers: Orphanet 423, MedGen C1866077, MONDO:0011163, OMIM 601887.

gnomAD v4.1: 4 of 1,614,206 alleles (0.00025%); highest among the groups gnomAD compares: Non-Finnish European, 0.00034%; no homozygotes.

Submission:

Color Diagnostics, LLC DBA Color Health
Classification: Uncertain significance for Malignant hyperthermia, susceptibility to, 5. Last evaluated: 2025-07-18. Review status: criteria provided, single submitter. Criteria: ACMG Guidelines, 2015. Collection method: clinical testing. Allele origin: germline.
Comment: This missense variant replaces glycine with serine at codon 249 of the CACNA1S protein. Computational prediction is inconclusive regarding the impact of this variant on protein structure and function. To our knowledge, functional studies have not been reported for this variant. This variant has not been reported in individuals affected with CACNA1S-related disorders in the literature. This variant has been identified in 1/31392 chromosomes in the general population by the Genome Aggregation Database (gnomAD). The available evidence is insufficient to determine the role of this variant in disease conclusively. Therefore, this variant is classified as a Variant of Uncertain Significance.

NM_000069.3(CACNA1S):c.745G>A (p.Gly249Ser)

Gene: CACNA1S (calcium voltage-gated channel subunit alpha1 S; minus strand). Cytogenetic location: 1q32.1.
Variant type: single nucleotide variant.
Coding change: c.745G>A on transcript NM_000069.3 (MANE Select); coding-DNA position 745, G replaced by A.
Protein change: p.Gly249Ser; replaces glycine 249 with serine.
Molecular consequence: missense variant.
Genome position (GRCh38, 1-based): chr1:201,089,413, C>T on the plus strand (G>A on the coding strand, the complement: CACNA1S is on the minus strand). VCF-style: chr1-201089413-C-T. GRCh37 (hg19) VCF-style: chr1-201058541-C-T.
Other names: short protein forms G249S.
Identifiers: ClinVar variation 4757728 (VCV004757728.1).
Genomic context (GRCh38, chr1:201,089,413, plus strand): 5'-TGGGCCCTGGCCAGCCGCCCCGGCACTCACTGCCATTGATGGTGCACCGGCGCCCTGAGC[C>T]CGTCCTGGCGCAGGGCGATGGCTCTTCATTCTCCACCGTGGCCACGATATCTGGAGGCAG-3'
Protein context (NP_000060.2, residues 239-259): NEEPSPCART[Gly249Ser]SGRRCTINGS